The following is an entry in ClinVar:

ClinVar aggregate classification (germline): Uncertain significance. Review status: criteria provided, multiple submitters, no conflicts (2 of 4 stars). 3 submissions from 3 submitters: Uncertain significance (3). Last evaluated 2025-12-03.

Conditions:
Cardiovascular phenotype. Identifiers: MedGen CN230736.
Primary dilated cardiomyopathy (DCM). Also called: Dilated Cardiomyopathy. Identifiers: Orphanet 217604, MedGen C0007193, MeSH D002311, MONDO:0005021, HP:0001644. Inheritance: Various modes of inheritance.

Allele frequency attached by ClinVar (database versions not stated): TOPMed 0.00002; ExAC 0.00002; gnomAD exomes 0.00004 and 0.00001; gnomAD 0.00001.
gnomAD v4.1: 14 of 1,613,464 alleles (0.00087%); highest among the groups gnomAD compares: Admixed American, 0.013%; no homozygotes.

Submissions (3):

Labcorp Genetics (formerly Invitae), Labcorp
Classification: Uncertain significance for Primary dilated cardiomyopathy. Last evaluated: 2025-12-03. Review status: criteria provided, single submitter. Criteria: Invitae Variant Classification Sherloc (09022015). Collection method: clinical testing. Allele origin: germline.
Comment: This sequence change replaces arginine, which is basic and polar, with lysine, which is basic and polar, at codon 150 of the TXNRD2 protein (p.Arg150Lys). This variant also falls at the last nucleotide of exon 5, which is part of the consensus splice site for this exon. This variant is present in population databases (rs755356370, gnomAD 0.02%). This variant has not been reported in the literature in individuals affected with TXNRD2-related conditions. ClinVar contains an entry for this variant (Variation ID: 1035547). An algorithm developed to predict the effect of missense changes on protein structure and function (PolyPhen-2) suggests that this variant is likely to be tolerated. Variants that disrupt the consensus splice site are a relatively common cause of aberrant splicing (PMID: 17576681, 9536098). Algorithms developed to predict the effect of sequence changes on RNA splicing suggest that this variant may disrupt the consensus splice site. In summary, the available evidence is currently insufficient to determine the role of this variant in disease. Therefore, it has been classified as a Variant of Uncertain Significance.

Ambry Genetics
Classification: Uncertain significance for Cardiovascular phenotype. Last evaluated: 2023-07-10. Review status: criteria provided, single submitter. Criteria: Ambry Variant Classification Scheme 2023. Collection method: clinical testing. Allele origin: germline.
Comment: The c.449G>A variant (also known as p.R150K), located in coding exon 5 of the TXNRD2 gene, results from a G to A substitution at nucleotide position 449. The amino acid change results in arginine to lysine at codon 150, an amino acid with highly similar properties. This amino acid position is well conserved in available vertebrate species; however, lysine is the reference amino acid in other vertebrate species. In addition, this alteration is predicted to be tolerated by in silico analysis. Since supporting evidence is limited at this time, the clinical significance of this alteration remains unclear.

GeneDx
Classification: Uncertain significance. Last evaluated: 2023-05-08. Review status: criteria provided, single submitter. Criteria: GeneDx Variant Classification Process June 2021. Collection method: clinical testing. Allele origin: germline. Affected: yes.
Comment: In silico analysis supports that this missense variant does not alter protein structure/function; Has not been previously published as pathogenic or benign to our knowledge

Literature cited by the submitters: PubMed 17576681 (cited by Labcorp Genetics (formerly Invitae), Labcorp); PubMed 9536098 (cited by Labcorp Genetics (formerly Invitae), Labcorp).

NM_006440.5(TXNRD2):c.449G>A (p.Arg150Lys)

Gene: TXNRD2 (thioredoxin reductase 2; minus strand). Cytogenetic location: 22q11.21.
Variant type: single nucleotide variant.
Coding change: c.449G>A on transcript NM_006440.5 (MANE Select); coding-DNA position 449, G replaced by A.
Protein change: p.Arg150Lys; replaces arginine 150 with lysine.
Molecular consequence: missense variant. On other transcripts: non-coding transcript variant (1).
Genome position (GRCh38, 1-based): chr22:19,918,143, C>T on the plus strand (G>A on the coding strand, the complement: TXNRD2 is on the minus strand). VCF-style: chr22-19918143-C-T. GRCh37 (hg19) VCF-style: chr22-19905666-C-T.
Other names: c.449G>A, p.Arg150Lys (NM_001282512.3); c.446G>A, p.Arg149Lys (NM_001352300.2); c.359G>A, p.Arg120Lys (NM_001352301.2); c.161G>A, p.Arg54Lys (NM_001352302.2); c.353G>A, p.Arg118Lys (NM_001352303.2); short protein forms R118K, R150K, R54K, R149K, R120K.
Identifiers: ClinVar variation 1035547 (VCV001035547.13), dbSNP rs755356370, ClinGen allele CA10104208.